The following is an entry in ClinVar:

NM_144687.4(NLRP12):c.1281G>A (p.Thr427=)

Gene: NLRP12 (NLR family pyrin domain containing 12; minus strand). Cytogenetic location: 19q13.42.
Variant type: single nucleotide variant.
Coding change: c.1281G>A on transcript NM_144687.4 (MANE Select); coding-DNA position 1281, G replaced by A.
Protein change: p.Thr427=; no amino-acid change (threonine 427 retained).
Molecular consequence: synonymous variant.
Genome position (GRCh38, 1-based): chr19:53,810,378, C>T on the plus strand (G>A on the coding strand, the complement: NLRP12 is on the minus strand). VCF-style: chr19-53810378-C-T. GRCh37 (hg19) VCF-style: chr19-54313632-C-T.
Other names: c.1281G>A, p.Thr427= (NM_001277126.2, NM_001277129.1).
Identifiers: ClinVar variation 754716 (VCV000754716.20), dbSNP rs528087095, ClinGen allele CA9639468.
Genomic context (GRCh38, chr19:53,810,378, plus strand): 5'-CGGCTTGGGTTGCATCAGACTCAGCAGGTAGAGCATGTACACTGCAGTGGTGGTCCTGGA[C>T]GTCTGTCTCAACAGCCCCCCACCCTCCAGCTGCTGCTGGAGGCAGGTACACACCACCCAG-3'
Protein context (NP_653288.1, residues 417-437): QLEGGGLLRQ[Thr427=]SRTTTAVYML

ClinVar aggregate classification (germline): Conflicting classifications of pathogenicity. Review status: criteria provided, conflicting classifications (1 of 4 stars). 3 submissions from 3 submitters: Uncertain significance (1); Likely benign (2). Last evaluated 2025-06-01.

Conditions:
Autoinflammatory syndrome. Identifiers: Orphanet 93665, MedGen C3890737, MONDO:0019751.
Familial cold autoinflammatory syndrome 2 (FCAS2). Identifiers: Orphanet 247868, MedGen C2673198, MONDO:0012724, OMIM 611762.

Allele frequency attached by ClinVar (database versions not stated): gnomAD 0.00001 and 0.00003; TOPMed 0.00002; ExAC 0.00003; gnomAD exomes 0.00004; 1000 Genomes Project 30x 0.00016; 1000 Genomes Project 0.00020.
gnomAD v4.1: 16 of 1,613,536 alleles (0.00099%); highest among the groups gnomAD compares: Middle Eastern, 0.016%; no homozygotes.

Submissions (3):

CeGaT Center for Human Genetics Tuebingen
Classification: Likely benign. Last evaluated: 2025-06-01. Review status: criteria provided, single submitter. Criteria: CeGaT Center For Human Genetics Tuebingen Variant Classification Criteria Version 2. Collection method: clinical testing. Allele origin: germline. Affected: yes. Observed: 1 variant allele.
Comment: NLRP12: BP4, BP7

Labcorp Genetics (formerly Invitae), Labcorp
Classification: Likely benign for Familial cold autoinflammatory syndrome 2. Last evaluated: 2025-04-20. Review status: criteria provided, single submitter. Criteria: Invitae Variant Classification Sherloc (09022015). Collection method: clinical testing. Allele origin: germline.

Genome Diagnostics Laboratory, The Hospital for Sick Children
Classification: Uncertain significance for Autoinflammatory syndrome. Last evaluated: 2017-04-03. Review status: criteria provided, single submitter. Criteria: ACMG Guidelines, 2015. Collection method: clinical testing. Allele origin: germline. Affected: yes.